The following is an entry in ClinVar:

NM_199420.4(POLQ):c.4534C>A (p.Pro1512Thr)

Gene: POLQ (DNA polymerase theta; minus strand). Cytogenetic location: 3q13.33.
Variant type: single nucleotide variant.
Coding change: c.4534C>A on transcript NM_199420.4 (MANE Select); coding-DNA position 4534, C replaced by A.
Protein change: p.Pro1512Thr; replaces proline 1512 with threonine.
Molecular consequence: missense variant.
Genome position (GRCh38, 1-based): chr3:121,488,397, G>T on the plus strand (C>A on the coding strand, the complement: POLQ is on the minus strand). VCF-style: chr3-121488397-G-T. GRCh37 (hg19) VCF-style: chr3-121207244-G-T.
Other names: short protein forms P1512T.
Identifiers: ClinVar variation 1741296 (VCV001741296.2), dbSNP rs1262983478, ClinGen allele CA354094802.

ClinVar aggregate classification (germline): Uncertain significance (1 of 4 stars; one submission).

gnomAD v4.1: 2 of 1,611,268 alleles (0.00012%); highest among the groups gnomAD compares: Non-Finnish European, 0.00017%; no homozygotes.

Submission:

Ambry Genetics
Classification: Uncertain significance. Last evaluated: 2022-09-18. Review status: criteria provided, single submitter. Criteria: Ambry Variant Classification Scheme 2023. Collection method: clinical testing. Allele origin: germline.
Comment: The p.P1512T variant (also known as c.4534C>A), located in coding exon 16 of the POLQ gene, results from a C to A substitution at nucleotide position 4534. The proline at codon 1512 is replaced by threonine, an amino acid with highly similar properties. This amino acid position is conserved. In addition, this alteration is predicted to be tolerated by in silico analysis. Since supporting evidence is limited at this time, the clinical significance of this alteration remains unclear.